The following is an entry in ClinVar:

NM_016312.3(WBP11):c.280C>G (p.Arg94Gly)

Gene: WBP11 (WW domain binding protein 11; minus strand). Cytogenetic location: 12p12.3.
Variant type: single nucleotide variant.
Coding change: c.280C>G on transcript NM_016312.3 (MANE Select); coding-DNA position 280, C replaced by G.
Protein change: p.Arg94Gly; replaces arginine 94 with glycine.
Molecular consequence: missense variant.
Genome position (GRCh38, 1-based): chr12:14,796,914, G>C on the plus strand (C>G on the coding strand, the complement: WBP11 is on the minus strand). VCF-style: chr12-14796914-G-C. GRCh37 (hg19) VCF-style: chr12-14949848-G-C.
Other names: short protein forms R94G.
Identifiers: ClinVar variation 2574283 (VCV002574283.1), dbSNP rs1949900423, ClinGen allele CA384011971.

ClinVar aggregate classification (germline): Uncertain significance (1 of 4 stars; one submission).

Submission:

GeneDx
Classification: Uncertain significance. Last evaluated: 2023-01-31. Review status: criteria provided, single submitter. Criteria: GeneDx Variant Classification Process June 2021. Collection method: clinical testing. Allele origin: germline. Affected: yes.
Comment: In silico analysis supports that this missense variant has a deleterious effect on protein structure/function; Not observed at significant frequency in large population cohorts (gnomAD); Has not been previously published as pathogenic or benign to our knowledge